The following is an entry in ClinVar:

ClinVar aggregate classification (germline): Conflicting classifications of pathogenicity. Review status: criteria provided, conflicting classifications (1 of 4 stars). 2 submissions from 2 submitters: Uncertain significance (1); Likely benign (1). Last evaluated 2024-10-24.

Allele frequency attached by ClinVar (database versions not stated): ExAC 0.00002; gnomAD 0.00002 and 0.00003; gnomAD exomes 0.00003; TOPMed 0.00003; ESP Exome Variant Server 0.00008.
gnomAD v4.1: 28 of 1,612,822 alleles (0.0017%); highest among the groups gnomAD compares: East Asian, 0.0045%; no homozygotes.

Submissions (2):

Blueprint Genetics
Classification: Likely benign. Last evaluated: 2024-10-24. Review status: criteria provided, single submitter. Criteria: ACMG Guidelines, 2015. Collection method: clinical testing. Allele origin: germline.

GeneDx
Classification: Uncertain significance. Last evaluated: 2018-05-21. Review status: criteria provided, single submitter. Criteria: GeneDx Variant Classification (06012015). Collection method: clinical testing. Allele origin: germline. Affected: yes.
Comment: The V115M variant has not been published as a pathogenic variant, nor has it been reported as a benign variant to our knowledge. The variant is observed in 3/9814 (0.0306%) alleles from individuals of Ashkenazi Jewish background in large population cohorts (Lek et al., 2016). V115M is a conservative amino acid substitution, which is not likely to impact secondary protein structure as these residues share similar properties. In-silico analyses, including protein predictors and evolutionary conservation, support that this variant does not alter protein structure/function. In summary, based on the currently available information, it is unclear whether this variant is a pathogenic variant or a rare benign variant.

NM_000899.5(KITLG):c.343G>A (p.Val115Met)

Gene: KITLG (KIT ligand; minus strand). Cytogenetic location: 12q21.32.
Variant type: single nucleotide variant.
Coding change: c.343G>A on transcript NM_000899.5 (MANE Select); coding-DNA position 343, G replaced by A.
Protein change: p.Val115Met; replaces valine 115 with methionine.
Molecular consequence: missense variant.
Genome position (GRCh38, 1-based): chr12:88,518,717, C>T on the plus strand (G>A on the coding strand, the complement: KITLG is on the minus strand). VCF-style: chr12-88518717-C-T. GRCh37 (hg19) VCF-style: chr12-88912494-C-T.
Other names: c.343G>A, p.Val115Met (NM_003994.6); short protein forms V115M.
Identifiers: ClinVar variation 546160 (VCV000546160.3), dbSNP rs375568814, ClinGen allele CA6713726.